The following is an entry in ClinVar:

ClinVar aggregate classification (germline): Uncertain significance (1 of 4 stars; one submission).

Conditions:
Tuberous sclerosis 2 (TSC2). Identifiers: Orphanet 805, MedGen C1860707, MONDO:0013199, OMIM 613254.

Submission:

Labcorp Genetics (formerly Invitae), Labcorp
Classification: Uncertain significance for Tuberous sclerosis 2. Last evaluated: 2021-08-16. Review status: criteria provided, single submitter. Criteria: Invitae Variant Classification Sherloc (09022015). Collection method: clinical testing. Allele origin: germline.
Comment: This variant is not present in population databases (ExAC no frequency). This variant has not been reported in the literature in individuals affected with TSC2-related conditions. Experimental studies and prediction algorithms are not available or were not evaluated, and the functional significance of this variant is currently unknown. In summary, the available evidence is currently insufficient to determine the role of this variant in disease. Therefore, it has been classified as a Variant of Uncertain Significance. This variant, c.5294_5296dup, results in the insertion of 1 amino acid(s) to the TSC2 protein (p.Leu1765dup), but otherwise preserves the integrity of the reading frame.

NM_000548.5(TSC2):c.5294_5296dup (p.Leu1765dup)

Gene: TSC2 (TSC complex subunit 2; plus strand). Cytogenetic location: 16p13.3.
Variant type: Duplication.
Coding change: c.5294_5296dup on transcript NM_000548.5 (MANE Select); coding-DNA positions 5294 to 5296, 3 bases duplicated (TAC; older notation c.5294_5296dupTAC).
Protein change: p.Leu1765dup; duplicates leucine 1765.
Molecular consequence: inframe insertion.
Genome position (GRCh38, 1-based): chr16:2,088,480-2,088,482, TAC duplicated; duplicating any 3 consecutive bases within chr16:2,088,479-2,088,482 gives the same sequence; the c. name uses the placement nearest the transcript's 3' end. VCF-style (leftmost placement, unchanged base first): chr16-2088478-C-CCTA. GRCh37 (hg19) VCF-style: chr16-2138479-C-CCTA.
Other names: c.5093_5095dup, p.Leu1698dup (NM_001077183.3); c.5225_5227dup, p.Leu1742dup (NM_001114382.3); c.4985_4987dup, p.Leu1662dup (NM_001318827.2); c.4949_4951dup, p.Leu1650dup (NM_001318829.2); c.4562_4564dup, p.Leu1521dup (NM_001318831.2); c.5126_5128dup, p.Leu1709dup (NM_001318832.2); c.5096_5098dup, p.Leu1699dup (NM_001363528.2); c.5162_5164dup, p.Leu1721dup (NM_001370404.1); and 2 more.
Identifiers: ClinVar variation 1404428 (VCV001404428.6), dbSNP rs2151638830, ClinGen allele CA2573151989.